The following is an entry in ClinVar:

ClinVar aggregate classification (germline): Uncertain significance (1 of 4 stars; one submission).

Submission:

Ambry Genetics
Classification: Uncertain significance. Last evaluated: 2024-10-29. Review status: criteria provided, single submitter. Criteria: Ambry Variant Classification Scheme 2023. Collection method: clinical testing. Allele origin: germline.
Comment: The p.C1359Y variant (also known as c.4076G>A), located in coding exon 37 of the KIF1B gene, results from a G to A substitution at nucleotide position 4076. The cysteine at codon 1359 is replaced by tyrosine, an amino acid with highly dissimilar properties. This amino acid position is conserved. In addition, this alteration is predicted to be deleterious by in silico analysis. Based on the available evidence, the clinical significance of this variant remains unclear.

NM_001365951.3(KIF1B):c.4214G>A (p.Cys1405Tyr)

Gene: KIF1B (kinesin family member 1B; plus strand). Cytogenetic location: 1p36.22.
Variant type: single nucleotide variant.
Coding change: c.4214G>A on transcript NM_001365951.3 (MANE Select); coding-DNA position 4214, G replaced by A.
Protein change: p.Cys1405Tyr; replaces cysteine 1405 with tyrosine.
Molecular consequence: missense variant.
Genome position (GRCh38, 1-based): chr1:10,361,735, G>A. VCF-style: chr1-10361735-G-A. GRCh37 (hg19) VCF-style: chr1-10421793-G-A.
Other names: c.4214G>A, p.Cys1405Tyr (NM_001365952.1); c.4076G>A, p.Cys1359Tyr (NM_015074.3); short protein forms C1359Y, C1405Y.
Identifiers: ClinVar variation 3534060 (VCV003534060.1).